The following is an entry in ClinVar:

NM_012193.4(FZD4):c.360del (p.Met120fs)

Genes: FZD4 (frizzled class receptor 4; minus strand), PRSS23 (serine protease 23; plus strand). Cytogenetic location: 11q14.2.
Variant type: Deletion.
Coding change: c.360del on transcript NM_012193.4 (MANE Select); coding-DNA position 360, one base deleted (G; older notation c.360delG).
Protein change: p.Met120fs; shifts the reading frame from methionine 120.
Molecular consequence: frameshift variant. On other transcripts: non-coding transcript variant (2).
Genome position (GRCh38, 1-based): chr11:86,952,396, C deleted on the plus strand (G on the coding strand, the reverse complement: FZD4 is on the minus strand). VCF-style (leftmost placement, unchanged base first): chr11-86952395-AC-A. GRCh37 (hg19) VCF-style: chr11-86663437-AC-A.
Other names: short protein forms M120fs.
Identifiers: ClinVar variation 2762482 (VCV002762482.3), dbSNP rs2495869044, ClinGen allele CA2697548858.

ClinVar aggregate classification (germline): Pathogenic (1 of 4 stars; one submission).

Submission:

Labcorp Genetics (formerly Invitae), Labcorp
Classification: Pathogenic. Last evaluated: 2023-09-21. Review status: criteria provided, single submitter. Criteria: Invitae Variant Classification Sherloc (09022015). Collection method: clinical testing. Allele origin: germline.
Comment: For these reasons, this variant has been classified as Pathogenic. This variant disrupts a region of the FZD4 protein in which other variant(s) (p.Q505*) have been determined to be pathogenic (PMID: 15223780). This suggests that this is a clinically significant region of the protein, and that variants that disrupt it are likely to be disease-causing. This variant has not been reported in the literature in individuals affected with FZD4-related conditions. This variant is not present in population databases (gnomAD no frequency). This sequence change creates a premature translational stop signal (p.Met120Ilefs*13) in the FZD4 gene. While this is not anticipated to result in nonsense mediated decay, it is expected to disrupt the last 418 amino acid(s) of the FZD4 protein.

Literature cited by the submitters: PubMed 15223780.